The following is an entry in ClinVar:

ClinVar aggregate classification (germline): Uncertain significance (1 of 4 stars; one submission).

gnomAD v4.1: 11 of 1,613,034 alleles (0.00068%); highest among the groups gnomAD compares: Non-Finnish European, 0.00093%; no homozygotes.

Submission:

Labcorp Genetics (formerly Invitae), Labcorp
Classification: Uncertain significance. Last evaluated: 2022-06-10. Review status: criteria provided, single submitter. Criteria: Invitae Variant Classification Sherloc (09022015). Collection method: clinical testing. Allele origin: germline.
Comment: This sequence change replaces arginine, which is basic and polar, with leucine, which is neutral and non-polar, at codon 57 of the IFT43 protein (p.Arg57Leu). This variant is not present in population databases (gnomAD no frequency). This variant has not been reported in the literature in individuals affected with IFT43-related conditions. Algorithms developed to predict the effect of missense changes on protein structure and function are either unavailable or do not agree on the potential impact of this missense change (SIFT: "Deleterious"; PolyPhen-2: "Benign"; Align-GVGD: "Class C0"). In summary, the available evidence is currently insufficient to determine the role of this variant in disease. Therefore, it has been classified as a Variant of Uncertain Significance.

NM_001102564.3(IFT43):c.170G>T (p.Arg57Leu)

Gene: IFT43 (intraflagellar transport 43; plus strand). Cytogenetic location: 14q24.3.
Variant type: single nucleotide variant.
Coding change: c.170G>T on transcript NM_001102564.3 (MANE Select); coding-DNA position 170, G replaced by T.
Protein change: p.Arg57Leu; replaces arginine 57 with leucine.
Molecular consequence: missense variant. On other transcripts: non-coding transcript variant (2).
Genome position (GRCh38, 1-based): chr14:76,022,349, G>T. VCF-style: chr14-76022349-G-T. GRCh37 (hg19) VCF-style: chr14-76488692-G-T.
Other names: c.170G>T, p.Arg57Leu (NM_001255995.3, NM_052873.3); short protein forms R57L.
Identifiers: ClinVar variation 1962329 (VCV001962329.2), dbSNP rs774922293, ClinGen allele CA263708074.